The following is an entry in ClinVar:

ClinVar aggregate classification (germline): Conflicting classifications of pathogenicity. Review status: criteria provided, conflicting classifications (1 of 4 stars). 3 submissions from 3 submitters: Likely pathogenic (2); Uncertain significance (1). Last evaluated 2026-07-01.

Conditions:
Glycogen storage disease, type II (IOPD). Also called: CARDIOMEGALIA GLYCOGENICA DIFFUSA; GLYCOGENOSIS, GENERALIZED, CARDIAC FORM; GSD II; POMPE DISEASE, INFANTILE-ONSET; GLYCOGEN STORAGE DISEASE II, INFANTILE-ONSET; ACID ALPHA-GLUCOSIDASE DEFICIENCY, INFANTILE-ONSET. Identifiers: Orphanet 365, MedGen C0017921, MONDO:0009290, OMIM 232300.

Submissions (3):

Genomenon, Inc
Classification: Uncertain significance for Glycogen storage disease, type II. Last evaluated: 2026-07-01. Review status: criteria provided, single submitter. Criteria: Genomenon Sequence Variant Interpretation Standards - Updated. Collection method: curation. Allele origin: germline. Affected: yes.
Comment: GAA p.Thr711Pro (c.2131A>C) is a missense variant that changes the amino acid at codon 711 from Threonine to Proline. This variant has been observed in at least one proband with a GAA-related disorder (PMID:31606152). It is absent or not present at a significant frequency in gnomAD. In silico models predict that this variant is possibly or probably damaging. In conclusion, we classify GAA p.Thr711Pro (c.2131A>C) as a variant of uncertain significance.

Labcorp Genetics (formerly Invitae), Labcorp
Classification: Likely pathogenic for Glycogen storage disease, type II. Last evaluated: 2021-05-06. Review status: criteria provided, single submitter. Criteria: Invitae Variant Classification Sherloc (09022015). Collection method: clinical testing. Allele origin: germline.
Comment: This sequence change replaces threonine with proline at codon 711 of the GAA protein (p.Thr711Pro). The threonine residue is highly conserved and there is a small physicochemical difference between threonine and proline. Advanced modeling of protein sequence and biophysical properties (such as structural, functional, and spatial information, amino acid conservation, physicochemical variation, residue mobility, and thermodynamic stability) performed at Invitae indicates that this missense variant is expected to disrupt GAA protein function. This variant disrupts the p.Thr711 amino acid residue in GAA. Other variant(s) that disrupt this residue have been determined to be pathogenic (PMID: 23884227, 23884227, 28394184). This suggests that this residue is clinically significant, and that variants that disrupt this residue are likely to be disease-causing. In summary, the currently available evidence indicates that the variant is pathogenic, but additional data are needed to prove that conclusively. Therefore, this variant has been classified as Likely Pathogenic. This variant has not been reported in the literature in individuals with GAA-related conditions. This variant is not present in population databases (ExAC no frequency).

Neuberg Centre For Genomic Medicine, NCGM
Classification: Likely pathogenic for Glycogen storage disease, type II. Review status: criteria provided, single submitter. Criteria: ACMG Guidelines, 2015. Collection method: clinical testing. Allele origin: germline. Inheritance: Autosomal recessive inheritance. Affected: yes.
Comment: The missense variant c.2131A>C(p.Thr711Pro) in GAA gene is previously reported in an individual affected with Infantile-Onset Pompe Disease. The p.Thr711Pro variant is novel (not in any individuals) in gnomAD Exomes and 1000 Genomes. This variant has been reported to the ClinVar database as likely pathogenic. The amino acid Thr at position 711 is changed to a Pro changing protein sequence and it might alter its composition and physico-chemical properties. The amino acid change p.Thr711Pro in GAA is predicted as conserved by GERP++ and PhyloP across 100 vertebrates. For these reasons, this variant has been classified as Likely pathogenic.

Literature cited by the submitters: PubMed 31606152 (cited by Genomenon, Inc); PubMed 23884227 (cited by Labcorp Genetics (formerly Invitae), Labcorp); PubMed 28394184 (cited by Labcorp Genetics (formerly Invitae), Labcorp).

NM_000152.5(GAA):c.2131A>C (p.Thr711Pro)

Gene: GAA (alpha glucosidase; plus strand). Cytogenetic location: 17q25.3.
Variant type: single nucleotide variant.
Coding change: c.2131A>C on transcript NM_000152.5 (MANE Select); coding-DNA position 2131, A replaced by C.
Protein change: p.Thr711Pro; replaces threonine 711 with proline.
Molecular consequence: missense variant.
Genome position (GRCh38, 1-based): chr17:80,113,308, A>C. VCF-style: chr17-80113308-A-C. GRCh37 (hg19) VCF-style: chr17-78087107-A-C.
Other names: c.2131A>C, p.Thr711Pro (NM_001079803.3, NM_001079804.3); short protein forms T711P.
Identifiers: ClinVar variation 1479743 (VCV001479743.10), dbSNP rs2143896492, ClinGen allele CA401370552.